The following is an entry in ClinVar:

NM_000548.5(TSC2):c.1341G>A (p.Ala447=)

Gene: TSC2 (TSC complex subunit 2; plus strand). Cytogenetic location: 16p13.3.
Variant type: single nucleotide variant.
Coding change: c.1341G>A on transcript NM_000548.5 (MANE Select); coding-DNA position 1341, G replaced by A.
Protein change: p.Ala447=; no amino-acid change (alanine 447 retained).
Molecular consequence: synonymous variant.
Genome position (GRCh38, 1-based): chr16:2,062,580, G>A. VCF-style: chr16-2062580-G-A. GRCh37 (hg19) VCF-style: chr16-2112581-G-A.
Other names: c.1341G>A, p.Ala447= (NM_001077183.3, NM_001114382.3, NM_001363528.2 and 3 more transcripts); c.1230G>A, p.Ala410= (NM_001318827.2); c.1194G>A, p.Ala398= (NM_001318829.2); c.741G>A, p.Ala247= (NM_001318831.2); c.1374G>A, p.Ala458= (NM_001318832.2).
Identifiers: ClinVar variation 386855 (VCV000386855.24), dbSNP rs141609319, ClinGen allele CA16607288.
Genomic context (GRCh38, chr16:2,062,580, plus strand): 5'-CTCCTATAGAGCGCAGTCCATCCACCCGGCCAAGGACGGCTGGATTCAGAACCTGCAGGC[G>A]CTGATGGAGAGATTCTTCAGGTAGGGGGTCCTCTGTAGCCTTGCCTGGCACCTGGAGCCT-3'
Protein context (NP_000539.2, residues 437-457): AKDGWIQNLQ[Ala447=]LMERFFRSES

ClinVar aggregate classification (germline): Benign/Likely benign. Review status: criteria provided, multiple submitters, no conflicts (2 of 4 stars). 8 submissions from 8 submitters: Benign (2); Likely benign (6). Last evaluated 2025-10-13.

Conditions:
Tuberous sclerosis 2 (TSC2). Identifiers: Orphanet 805, MedGen C1860707, MONDO:0013199, OMIM 613254.
Hereditary cancer-predisposing syndrome. Also called: Neoplastic Syndromes, Hereditary; Hereditary neoplastic syndrome; Tumor predisposition; Hereditary Cancer Syndrome. Identifiers: Orphanet 140162, MedGen C0027672, MeSH D009386, MONDO:0015356.
Tuberous sclerosis syndrome (TSC). Also called: Tuberous sclerosis; Tuberous Sclerosis Complex. Identifiers: Orphanet 805, MedGen C0041341, MONDO:0001734.

Allele frequency attached by ClinVar (database versions not stated): gnomAD exomes below 0.00001; gnomAD 0.00001 and 0.00006; TOPMed 0.00001; ESP Exome Variant Server 0.00008.
gnomAD v4.1: 9 of 1,609,984 alleles (0.00056%); highest among the groups gnomAD compares: African/African-American, 0.0027%; no homozygotes.

Submissions (8):

Labcorp Genetics (formerly Invitae), Labcorp
Classification: Likely benign for Tuberous sclerosis 2. Last evaluated: 2025-10-13. Review status: criteria provided, single submitter. Criteria: Invitae Variant Classification Sherloc (09022015). Collection method: clinical testing. Allele origin: germline.

Myriad Genetics, Inc.
Classification: Benign for Tuberous sclerosis 2. Last evaluated: 2025-05-13. Review status: criteria provided, single submitter. Criteria: Myriad Autosomal Dominant, Autosomal Recessive and X-Linked Classification Criteria (2023). Collection method: clinical testing. Allele origin: unknown.
Comment: This variant is considered benign. This variant is a silent/synonymous amino acid change and it is not expected to impact splicing.

Quest Diagnostics Nichols Institute San Juan Capistrano
Classification: Likely benign. Last evaluated: 2024-12-04. Review status: criteria provided, single submitter. Criteria: Quest Diagnostics criteria. Collection method: clinical testing. Allele origin: unknown.

All of Us Research Program, National Institutes of Health
Classification: Likely benign for Tuberous sclerosis syndrome. Last evaluated: 2024-04-25. Review status: criteria provided, single submitter. Criteria: ACMG Guidelines, 2015. Collection method: clinical testing. Allele origin: germline. Inheritance: Autosomal dominant inheritance. Observed: 1 variant allele, 1 heterozygote.
Comment: This study involves interpretation of variants in research participants for the purpose of population health screening. Participant phenotype was not available at the time of variant classification. Additional details can be found in publication PMID: 35346344, PMCID: PMC8962531

Color Diagnostics, LLC DBA Color Health
Classification: Likely benign for Tuberous sclerosis syndrome. Last evaluated: 2022-09-20. Review status: criteria provided, single submitter. Criteria: ACMG Guidelines, 2015. Collection method: clinical testing. Allele origin: germline.

Genome-Nilou Lab
Classification: Benign for Tuberous sclerosis 2. Last evaluated: 2021-11-07. Review status: criteria provided, single submitter. Criteria: ACMG Guidelines, 2015. Collection method: clinical testing. Allele origin: germline. Affected: no.

GeneDx
Classification: Likely benign. Last evaluated: 2020-06-01. Review status: criteria provided, single submitter. Criteria: GeneDx Variant Classification Process June 2021. Collection method: clinical testing. Allele origin: germline. Affected: yes.

Ambry Genetics
Classification: Likely benign for Hereditary cancer-predisposing syndrome. Last evaluated: 2017-04-26. Review status: criteria provided, single submitter. Criteria: Ambry Variant Classification Scheme 2023. Collection method: clinical testing. Allele origin: germline.